The following is an entry in ClinVar:

ClinVar aggregate classification (germline): Uncertain significance (1 of 4 stars; one submission).

gnomAD v4.1: 13 of 1,567,068 alleles (0.00083%); highest among the groups gnomAD compares: Admixed American, 0.0095%; no homozygotes.

Submission:

Dasa
Classification: Uncertain significance. Last evaluated: 2025-02-05. Review status: criteria provided, single submitter. Criteria: DASA Assertion Criteria. Collection method: clinical testing. Allele origin: germline.
Comment: NM_001852.4(COL9A2):c.1324-3C>A is a splice-region variant. This variant is rare in population databases. Computational prediction algorithms are consistent with a deleterious effect. The currently available literature and clinical evidence are not sufficient to establish a definitive association between this variant and the reported condition. Therefore, this variant is classified as a variant of uncertain significance.

NM_001852.4(COL9A2):c.1324-3C>A

Gene: COL9A2 (collagen type IX alpha 2 chain; minus strand). Cytogenetic location: 1p34.2.
Variant type: single nucleotide variant.
Coding change: c.1324-3C>A on transcript NM_001852.4 (MANE Select); 3 bases into the intron before coding-DNA position 1324, C replaced by A.
Molecular consequence: intron variant.
Genome position (GRCh38, 1-based): chr1:40,303,975, G>T on the plus strand (C>A on the coding strand, the complement: COL9A2 is on the minus strand). VCF-style: chr1-40303975-G-T. GRCh37 (hg19) VCF-style: chr1-40769647-G-T.
Identifiers: ClinVar variation 4881774 (VCV004881774.2).